The following is an entry in ClinVar:

ClinVar aggregate classification (germline): Pathogenic (1 of 4 stars; one submission).

Conditions:
Hypokalemic periodic paralysis, type 1. Also called: Hypokalemic Periodic Paralysis Type 1 (AD); HypoPP. Identifiers: Orphanet 681, MedGen C3714580, MONDO:0042979, OMIM 170400.
Malignant hyperthermia, susceptibility to, 5 (MHS5). Also called: CACNA1S-Related Malignant Hyperthermia Susceptibility. Identifiers: Orphanet 423, MedGen C1866077, MONDO:0011163, OMIM 601887.

Submission:

Labcorp Genetics (formerly Invitae), Labcorp
Classification: Pathogenic for Hypokalemic periodic paralysis, type 1; Malignant hyperthermia, susceptibility to, 5. Last evaluated: 2021-11-13. Review status: criteria provided, single submitter. Criteria: Invitae Variant Classification Sherloc (09022015). Collection method: clinical testing. Allele origin: germline.
Comment: For these reasons, this variant has been classified as Pathogenic. This variant has not been reported in the literature in individuals affected with CACNA1S-related conditions. This variant is not present in population databases (gnomAD no frequency). This sequence change creates a premature translational stop signal (p.Glu775Alafs*51) in the CACNA1S gene. It is expected to result in an absent or disrupted protein product. Loss-of-function variants in CACNA1S are known to be pathogenic (PMID: 26247046, 28012042).

Literature cited by the submitters: PubMed 26247046; PubMed 28012042.

NM_000069.3(CACNA1S):c.2324_2330del (p.Glu775fs)

Gene: CACNA1S (calcium voltage-gated channel subunit alpha1 S; minus strand). Cytogenetic location: 1q32.1.
Variant type: Deletion.
Coding change: c.2324_2330del on transcript NM_000069.3 (MANE Select); coding-DNA positions 2324 to 2330, 7 bases deleted (AAGCCAG; older notation c.2324_2330delAAGCCAG).
Protein change: p.Glu775fs; shifts the reading frame from glutamic acid 775.
Molecular consequence: frameshift variant.
Genome position (GRCh38, 1-based): chr1:201,070,302-201,070,308, CTGGCTT deleted on the plus strand (AAGCCAG on the coding strand, the reverse complement: CACNA1S is on the minus strand); deleting any 7 consecutive bases within chr1:201,070,302-201,070,312 gives the same sequence; the c. name uses the placement nearest the transcript's 3' end. VCF-style (leftmost placement, unchanged base first): chr1-201070301-GCTGGCTT-G. GRCh37 (hg19) VCF-style: chr1-201039429-GCTGGCTT-G.
Other names: short protein forms E775fs.
Identifiers: ClinVar variation 1453569 (VCV001453569.6), dbSNP rs2102132473, ClinGen allele CA2573131458.